The following is an entry in ClinVar:

ClinVar aggregate classification (germline): Uncertain significance (1 of 4 stars; one submission).

Submission:

Ambry Genetics
Classification: Uncertain significance. Last evaluated: 2021-09-30. Review status: criteria provided, single submitter. Criteria: Ambry Variant Classification Scheme 2023. Collection method: clinical testing. Allele origin: germline.
Comment: The p.S1551A variant (also known as c.4651T>G), located in coding exon 16 of the POLQ gene, results from a T to G substitution at nucleotide position 4651. The serine at codon 1551 is replaced by alanine, an amino acid with similar properties. This amino acid position is conserved. In addition, this alteration is predicted to be tolerated by in silico analysis. Since supporting evidence is limited at this time, the clinical significance of this alteration remains unclear.

NM_199420.4(POLQ):c.4651T>G (p.Ser1551Ala)

Gene: POLQ (DNA polymerase theta; minus strand). Cytogenetic location: 3q13.33.
Variant type: single nucleotide variant.
Coding change: c.4651T>G on transcript NM_199420.4 (MANE Select); coding-DNA position 4651, T replaced by G.
Protein change: p.Ser1551Ala; replaces serine 1551 with alanine.
Molecular consequence: missense variant.
Genome position (GRCh38, 1-based): chr3:121,488,280, A>C on the plus strand (T>G on the coding strand, the complement: POLQ is on the minus strand). VCF-style: chr3-121488280-A-C. GRCh37 (hg19) VCF-style: chr3-121207127-A-C.
Other names: short protein forms S1551A.
Identifiers: ClinVar variation 1742190 (VCV001742190.2), dbSNP rs2546785702, ClinGen allele CA354094317.